The following is an entry in ClinVar:

ClinVar aggregate classification (germline): Likely benign (0 of 4 stars; one submission).

Conditions:
MYOM1-related disorder.

Allele frequency attached by ClinVar (database versions not stated): gnomAD 0.00001.
gnomAD v4.1: 2 of 1,591,452 alleles (0.00013%); highest among the groups gnomAD compares: Non-Finnish European, 0.00017%; no homozygotes.

Submission:

PreventionGenetics, part of Exact Sciences
Classification: Likely benign for MYOM1-related condition. Last evaluated: 2019-03-29. Review status: no assertion criteria provided. Collection method: clinical testing. Allele origin: germline.
Comment: This variant is classified as likely benign based on ACMG/AMP sequence variant interpretation guidelines (Richards et al. 2015 PMID: 25741868, with internal and published modifications).

NM_003803.4(MYOM1):c.3304-4C>T

Gene: MYOM1 (myomesin 1; minus strand). Cytogenetic location: 18p11.31.
Variant type: single nucleotide variant.
Coding change: c.3304-4C>T on transcript NM_003803.4 (MANE Select); 4 bases into the intron before coding-DNA position 3304, C replaced by T.
Molecular consequence: intron variant.
Genome position (GRCh38, 1-based): chr18:3,112,416, G>A on the plus strand (C>T on the coding strand, the complement: MYOM1 is on the minus strand). VCF-style: chr18-3112416-G-A. GRCh37 (hg19) VCF-style: chr18-3112414-G-A.
Other names: c.3016-4C>T (NM_019856.2).
Identifiers: ClinVar variation 3047471 (VCV003047471.2), dbSNP rs2079541401, ClinGen allele CA987247781.